The following is an entry in ClinVar:

ClinVar aggregate classification (germline): Uncertain significance (1 of 4 stars; one submission).

Submission:

Labcorp Genetics (formerly Invitae), Labcorp
Classification: Uncertain significance. Last evaluated: 2023-11-28. Review status: criteria provided, single submitter. Criteria: Invitae Variant Classification Sherloc (09022015). Collection method: clinical testing. Allele origin: unknown.
Comment: This variant is a gross deletion of the genomic region encompassing exon(s) 1-2 of the NLRP1 gene, which includes the initiator codon. This deletion extends beyond the assayed region for this gene and therefore may encompass additional genes. It is expected to result in an absent or disrupted protein product. However, the current clinical and genetic evidence is not sufficient to establish whether loss-of-function variants in NLRP1 cause disease. This variant has not been reported in the literature in individuals affected with NLRP1-related conditions. In summary, the available evidence is currently insufficient to determine the role of this variant in disease. Therefore, it has been classified as a Variant of Uncertain Significance.

NC_000017.10:g.(?_5485970)_(5487277_?)del

Gene: NLRP1 (NLR family pyrin domain containing 1; minus strand). Cytogenetic location: 17p13.2.
Variant type: Deletion.
Identifiers: ClinVar variation 3243210 (VCV003243210.1).